The following is an entry in ClinVar:

ClinVar aggregate classification (germline): Uncertain significance. Review status: criteria provided, multiple submitters, no conflicts (2 of 4 stars). 2 submissions from 2 submitters: Uncertain significance (2). Last evaluated 2025-06-20.

Conditions:
Donnai-Barrow syndrome. Also called: DBS/FOAR SYNDROME; FACIOOCULOACOUSTICORENAL SYNDROME. Identifiers: Orphanet 2143, MedGen C1857277, MONDO:0009104, OMIM 222448.

Allele frequency attached by ClinVar (database versions not stated): TOPMed 0.00002; ExAC 0.00003; gnomAD 0.00003; gnomAD exomes 0.00003 and 0.00004.
gnomAD v4.1: 46 of 1,613,806 alleles (0.0029%); highest among the groups gnomAD compares: Non-Finnish European, 0.0036%; no homozygotes.

Submissions (2):

Labcorp Genetics (formerly Invitae), Labcorp
Classification: Uncertain significance. Last evaluated: 2025-06-20. Review status: criteria provided, single submitter. Criteria: Invitae Variant Classification Sherloc (09022015). Collection method: clinical testing. Allele origin: germline.
Comment: This sequence change replaces tryptophan, which is neutral and slightly polar, with cysteine, which is neutral and slightly polar, at codon 3776 of the LRP2 protein (p.Trp3776Cys). This variant is present in population databases (rs758068621, gnomAD 0.008%). This variant has not been reported in the literature in individuals affected with LRP2-related conditions. ClinVar contains an entry for this variant (Variation ID: 1044381). Invitae Evidence Modeling of protein sequence and biophysical properties (such as structural, functional, and spatial information, amino acid conservation, physicochemical variation, residue mobility, and thermodynamic stability) indicates that this missense variant is expected to disrupt LRP2 protein function with a positive predictive value of 95%. In summary, the available evidence is currently insufficient to determine the role of this variant in disease. Therefore, it has been classified as a Variant of Uncertain Significance.

Fulgent Genetics
Classification: Uncertain significance for Donnai-Barrow syndrome. Last evaluated: 2022-03-03. Review status: criteria provided, single submitter. Criteria: ACMG Guidelines, 2015. Collection method: clinical testing. Allele origin: unknown.

NM_004525.3(LRP2):c.11328G>T (p.Trp3776Cys)

Gene: LRP2 (LDL receptor related protein 2; minus strand). Cytogenetic location: 2q31.1.
Variant type: single nucleotide variant.
Coding change: c.11328G>T on transcript NM_004525.3 (MANE Select); coding-DNA position 11328, G replaced by T.
Protein change: p.Trp3776Cys; replaces tryptophan 3776 with cysteine.
Molecular consequence: missense variant.
Genome position (GRCh38, 1-based): chr2:169,170,603, C>A on the plus strand (G>T on the coding strand, the complement: LRP2 is on the minus strand). VCF-style: chr2-169170603-C-A. GRCh37 (hg19) VCF-style: chr2-170027113-C-A.
Other names: short protein forms W3776C.
Identifiers: ClinVar variation 1044381 (VCV001044381.9), dbSNP rs758068621, ClinGen allele CA1953108.